The following is an entry in ClinVar:

NM_024675.4(PALB2):c.856C>T (p.Pro286Ser)

Gene: PALB2 (partner and localizer of BRCA2; minus strand). Cytogenetic location: 16p12.2.
Variant type: single nucleotide variant.
Coding change: c.856C>T on transcript NM_024675.4 (MANE Select); coding-DNA position 856, C replaced by T.
Protein change: p.Pro286Ser; replaces proline 286 with serine.
Molecular consequence: missense variant.
Genome position (GRCh38, 1-based): chr16:23,635,690, G>A on the plus strand (C>T on the coding strand, the complement: PALB2 is on the minus strand). VCF-style: chr16-23635690-G-A. GRCh37 (hg19) VCF-style: chr16-23647011-G-A.
Other names: p.P286S:CCT>TCT; short protein forms P286S.
Identifiers: ClinVar variation 128147 (VCV000128147.33), dbSNP rs45585833, ClinGen allele CA288495.

ClinVar aggregate classification (germline): Conflicting classifications of pathogenicity. Review status: criteria provided, conflicting classifications (1 of 4 stars). 10 submissions from 10 submitters: Uncertain significance (7); Likely benign (2). 1 of the submissions does not count toward it. Last evaluated 2026-05-07.

Conditions:
Pancreatic cancer, susceptibility to, 3. Identifiers: Orphanet 1333, MedGen C3150547, MONDO:0013236, OMIM 613348.
Breast-ovarian cancer, familial, susceptibility to, 5 (BROVCA5). Identifiers: MedGen C5830615, MONDO:0957530, OMIM 620442.
Fanconi anemia complementation group N. Also called: PALB2-Related Fanconi Anemia. Identifiers: Orphanet 84, MedGen C1835817, MONDO:0012565, OMIM 610832. Disease mechanism: loss of function.
Inherited breast cancer and ovarian cancer.
Hereditary cancer-predisposing syndrome. Also called: Hereditary neoplastic syndrome; Hereditary Cancer Syndrome; Neoplastic Syndromes, Hereditary; Tumor predisposition. Identifiers: Orphanet 140162, MedGen C0027672, MeSH D009386, MONDO:0015356.
Familial cancer of breast. Also called: Hereditary breast cancer; BREAST CANCER, FAMILIAL; hereditary breast carcinoma. Identifiers: Orphanet 227535, MedGen C0346153, MONDO:0016419, OMIM 114480. Disease mechanism: loss of function.

Allele frequency attached by ClinVar (database versions not stated): gnomAD exomes below 0.00001 and 0.00002; gnomAD 0.00001; TOPMed 0.00001.
gnomAD v4.1: 30 of 1,613,994 alleles (0.0019%); highest among the groups gnomAD compares: Non-Finnish European, 0.0025%; no homozygotes.

Submissions (10):

Cambridge Genomics Laboratory, East Genomic Laboratory Hub, NHS Genomic Medicine Service
Classification: Uncertain significance for Inherited breast cancer and ovarian cancer. Last evaluated: 2026-05-07. Review status: criteria provided, single submitter. Criteria: ACGS Best Practice Guidelines for Variant Classification in Rare Disease 2020. Collection method: clinical testing. Allele origin: germline. Affected: yes.

Labcorp Genetics (formerly Invitae), Labcorp
Classification: Uncertain significance for Familial cancer of breast. Last evaluated: 2026-01-28. Review status: criteria provided, single submitter. Criteria: Invitae Variant Classification Sherloc (09022015). Collection method: clinical testing. Allele origin: germline.
Comment: This sequence change replaces proline, which is neutral and non-polar, with serine, which is neutral and polar, at codon 286 of the PALB2 protein (p.Pro286Ser). This variant is present in population databases (rs45585833, gnomAD 0.0009%). This missense change has been observed in individual(s) with breast cancer (PMID: 17200668, 27328445). ClinVar contains an entry for this variant (Variation ID: 128147). An algorithm developed to predict the effect of missense changes on protein structure and function outputs the following: PolyPhen-2: "Benign". The serine amino acid residue is found in multiple mammalian species, which suggests that this missense change does not adversely affect protein function. In summary, the available evidence is currently insufficient to determine the role of this variant in disease. Therefore, it has been classified as a Variant of Uncertain Significance.

Ambry Genetics
Classification: Likely benign for Hereditary cancer-predisposing syndrome. Last evaluated: 2025-05-27. Review status: criteria provided, single submitter. Criteria: Ambry Variant Classification Scheme 2023. Collection method: clinical testing. Allele origin: germline.

Department of Pathology and Laboratory Medicine, Sinai Health System
Classification: Uncertain significance for Fanconi anemia complementation group N; Pancreatic cancer, susceptibility to, 3; Breast-ovarian cancer, familial, susceptibility to, 5. Last evaluated: 2024-12-30. Review status: criteria provided, single submitter. Criteria: ACMG Guidelines, 2015. Collection method: clinical testing. Allele origin: germline.

GeneDx
Classification: Uncertain significance. Last evaluated: 2023-09-28. Review status: criteria provided, single submitter. Criteria: GeneDx Variant Classification Process June 2021. Collection method: clinical testing. Allele origin: germline. Affected: yes.
Comment: Not observed at significant frequency in large population cohorts (gnomAD); In silico analysis supports that this missense variant does not alter protein structure/function; Observed in control individuals in a breast cancer case-control study (Rahman et al., 2007); This variant is associated with the following publications: (PMID: 27328445, 19369211, 25085752, 17200668)

Myriad Genetics, Inc.
Classification: Likely benign for Familial cancer of breast. Last evaluated: 2023-03-31. Review status: criteria provided, single submitter. Criteria: Myriad Autosomal Dominant, Autosomal Recessive and X-Linked Classification Criteria (2023). Collection method: clinical testing. Allele origin: unknown.
Comment: This variant is considered likely benign. This variant is strongly associated with less severe personal and family histories of cancer, typical for individuals without pathogenic variants in this gene [PMID: 25085752].

Women's Health and Genetics/Laboratory Corporation of America, LabCorp
Classification: Uncertain significance. Last evaluated: 2023-03-30. Review status: criteria provided, single submitter. Criteria: LabCorp Variant Classification Summary - May 2015. Collection method: clinical testing. Allele origin: germline.
Comment: Variant summary: PALB2 c.856C>T (p.Pro286Ser) results in a non-conservative amino acid change in the encoded protein sequence. Four of five in-silico tools predict a benign effect of the variant on protein function. The variant allele was found at a frequency of 4e-06 in 251406 control chromosomes, exclusively observed in 1 female individual within the (non-Finnish) European subpopulation (gnomAD v2.1.1). In addition, the variant was reported in 1 (non-Finnish) European male control individual in gnomAD v3 while, it was also reported in 3/7325 European American women, older than age 70 years, who have never had cancer (FLOSSIES database). In summary, this variant has been reported in 7 healthy controls of European descent so far but it has not been reported in patients. To our knowledge, no experimental evidence demonstrating an impact on protein function has been reported. Six ClinVar submitters (evaluation after 2014) cite the variant as uncertain significance. Based on the evidence outlined above, the variant was classified as VUS-possibly benign.

Color Diagnostics, LLC DBA Color Health
Classification: Uncertain significance for Hereditary cancer-predisposing syndrome. Last evaluated: 2020-09-08. Review status: criteria provided, single submitter. Criteria: ACMG Guidelines, 2015. Collection method: clinical testing. Allele origin: germline.
Comment: This missense variant replaces proline with serine at codon 286 of the PALB2 protein. Computational prediction suggests that this variant may not impact protein structure and function (internally defined REVEL score threshold <= 0.5, PMID: 27666373). To our knowledge, functional studies have not been reported for this variant. This variant has not been reported in individuals affected with hereditary cancer in the literature. This variant has been identified in 1/251406 chromosomes in the general population by the Genome Aggregation Database (gnomAD). The available evidence is insufficient to determine the role of this variant in disease conclusively. Therefore, this variant is classified as a Variant of Uncertain Significance.

Quest Diagnostics Nichols Institute San Juan Capistrano
Classification: Uncertain significance. Last evaluated: 2019-04-03. Review status: criteria provided, single submitter. Criteria: Quest Diagnostics criteria. Collection method: clinical testing. Allele origin: germline.

Counsyl
Classification: Uncertain significance for Familial cancer of breast. Last evaluated: 2016-05-10. Review status: no assertion criteria provided. Collection method: clinical testing. Allele origin: unknown. Not counted in ClinVar's aggregate classification.

Literature cited by the submitters: PubMed 17200668 (cited by 6 submitters); PubMed 27328445 (cited by Labcorp Genetics (formerly Invitae), Labcorp and Department of Pathology and Laboratory Medicine, Sinai Health System); PubMed 33471991 (cited by Department of Pathology and Laboratory Medicine, Sinai Health System); PubMed 25085752 (cited by Myriad Genetics, Inc.).